The following is an entry in ClinVar:

ClinVar aggregate classification (germline): Uncertain significance (1 of 4 stars; one submission).

Conditions:
Sulfite oxidase deficiency due to molybdenum cofactor deficiency type C. Also called: Molybdenum cofactor deficiency, complementation group C; Molybdenum cofactor deficiency C. Identifiers: Orphanet 308400, Orphanet 833, MedGen C1854990, MONDO:0014212, OMIM 615501.

Submission:

Labcorp Genetics (formerly Invitae), Labcorp
Classification: Uncertain significance for Sulfite oxidase deficiency due to molybdenum cofactor deficiency type C. Last evaluated: 2022-07-19. Review status: criteria provided, single submitter. Criteria: Invitae Variant Classification Sherloc (09022015). Collection method: clinical testing. Allele origin: germline.
Comment: This variant results in a copy number gain of the genomic region encompassing exon(s) 5-23 of the GPHN gene. This region includes the termination codon of the gene. This copy number gain extends beyond the assayed region for this gene and therefore may encompass additional genes. As the precise location of this event is unknown, it may be in tandem or it may be located elsewhere in the genome. This variant has not been reported in the literature in individuals affected with GPHN-related conditions. In summary, the available evidence is currently insufficient to determine the role of this variant in disease. Therefore, it has been classified as a Variant of Uncertain Significance.

NC_000014.8:g.(?_67346637)_(67647654_?)dup

Gene: GPHN (gephyrin; plus strand). Cytogenetic location: 14q23.3.
Variant type: Duplication.
Identifiers: ClinVar variation 2426614 (VCV002426614.4).